The following is an entry in ClinVar:

NM_001371928.1(AHDC1):c.4384A>C (p.Lys1462Gln)

Gene: AHDC1 (AT-hook DNA binding motif containing 1; minus strand). Cytogenetic location: 1p36.11.
Variant type: single nucleotide variant.
Coding change: c.4384A>C on transcript NM_001371928.1 (MANE Select); coding-DNA position 4384, A replaced by C.
Protein change: p.Lys1462Gln; replaces lysine 1462 with glutamine.
Molecular consequence: missense variant.
Genome position (GRCh38, 1-based): chr1:27,547,732, T>G on the plus strand (A>C on the coding strand, the complement: AHDC1 is on the minus strand). VCF-style: chr1-27547732-T-G. GRCh37 (hg19) VCF-style: chr1-27874243-T-G.
Other names: c.4384A>C, p.Lys1462Gln (NM_001029882.3); short protein forms K1462Q.
Identifiers: ClinVar variation 737243 (VCV000737243.14), dbSNP rs145080672, ClinGen allele CA715370.

ClinVar aggregate classification (germline): Benign/Likely benign. Review status: criteria provided, multiple submitters, no conflicts (2 of 4 stars). 4 submissions from 4 submitters: Benign (2); Likely benign (1). 1 of the submissions does not count toward it. Last evaluated 2026-01-02.

Conditions:
AHDC1-related intellectual disability - obstructive sleep apnea - mild dysmorphism syndrome. Also called: Xia-Gibbs syndrome. Identifiers: Orphanet 412069, MedGen C4014419, MONDO:0014358, OMIM 615829.
AHDC1-related disorder. Also called: AHDC1-related condition.

Allele frequency attached by ClinVar (database versions not stated): gnomAD exomes 0.00038 and 0.00075; ESP Exome Variant Server 0.00039; TOPMed 0.00049; gnomAD 0.00054 and 0.00056; ExAC 0.00074.
gnomAD v4.1: 692 of 1,593,206 alleles (0.043%); highest among the groups gnomAD compares: Non-Finnish European, 0.0098%; 6 homozygotes.

Submissions (4):

Labcorp Genetics (formerly Invitae), Labcorp
Classification: Benign. Last evaluated: 2026-01-02. Review status: criteria provided, single submitter. Criteria: Invitae Variant Classification Sherloc (09022015). Collection method: clinical testing. Allele origin: germline.

Genome-Nilou Lab
Classification: Benign for AHDC1-related intellectual disability - obstructive sleep apnea - mild dysmorphism syndrome. Last evaluated: 2021-12-05. Review status: criteria provided, single submitter. Criteria: ACMG Guidelines, 2015. Collection method: clinical testing. Allele origin: germline. Affected: no.

GeneDx
Classification: Likely benign. Last evaluated: 2021-03-03. Review status: criteria provided, single submitter. Criteria: GeneDx Variant Classification Process June 2021. Collection method: clinical testing. Allele origin: germline. Affected: yes.

PreventionGenetics, part of Exact Sciences
Classification: Benign for AHDC1-related condition. Last evaluated: 2020-03-13. Review status: no assertion criteria provided. Collection method: clinical testing. Allele origin: germline. Not counted in ClinVar's aggregate classification.
Comment: This variant is classified as benign based on ACMG/AMP sequence variant interpretation guidelines (Richards et al. 2015 PMID: 25741868, with internal and published modifications).